The following is an entry in ClinVar:

NM_006947.4(SRP72):c.62A>T (p.Tyr21Phe)

Gene: SRP72 (signal recognition particle 72; plus strand). Cytogenetic location: 4q12.
Variant type: single nucleotide variant.
Coding change: c.62A>T on transcript NM_006947.4 (MANE Select); coding-DNA position 62, A replaced by T.
Protein change: p.Tyr21Phe; replaces tyrosine 21 with phenylalanine.
Molecular consequence: missense variant. On other transcripts: non-coding transcript variant (1).
Genome position (GRCh38, 1-based): chr4:56,467,697, A>T. VCF-style: chr4-56467697-A-T. GRCh37 (hg19) VCF-style: chr4-57333863-A-T.
Other names: c.62A>T, p.Tyr21Phe (NM_001267722.2); short protein forms Y21F.
Identifiers: ClinVar variation 3962141 (VCV003962141.1).

ClinVar aggregate classification (germline): Uncertain significance (1 of 4 stars; one submission).

gnomAD v4.1: 2 of 1,509,274 alleles (0.00013%); highest among the groups gnomAD compares: African/African-American, 0.0014%; no homozygotes.

Submission:

Ambry Genetics
Classification: Uncertain significance. Last evaluated: 2025-06-08. Review status: criteria provided, single submitter. Criteria: Ambry Variant Classification Scheme 2023. Collection method: clinical testing. Allele origin: germline.
Comment: The p.Y21F variant (also known as c.62A>T), located in coding exon 1 of the SRP72 gene, results from an A to T substitution at nucleotide position 62. The tyrosine at codon 21 is replaced by phenylalanine, an amino acid with highly similar properties. This amino acid position is conserved. In addition, this alteration is predicted to be tolerated by in silico analysis. Based on the available evidence, the clinical significance of this variant remains unclear.